The following is an entry in ClinVar:

NM_000395.3(CSF2RB):c.662G>A (p.Arg221Gln)

Gene: CSF2RB (colony stimulating factor 2 receptor subunit beta; plus strand). Cytogenetic location: 22q12.3.
Variant type: single nucleotide variant.
Coding change: c.662G>A on transcript NM_000395.3 (MANE Select); coding-DNA position 662, G replaced by A.
Protein change: p.Arg221Gln; replaces arginine 221 with glutamine.
Molecular consequence: missense variant.
Genome position (GRCh38, 1-based): chr22:36,929,751, G>A. VCF-style: chr22-36929751-G-A. GRCh37 (hg19) VCF-style: chr22-37325793-G-A.
Other names: short protein forms R221Q.
Identifiers: ClinVar variation 1447293 (VCV001447293.6), dbSNP rs372395367, ClinGen allele CA10213540.

ClinVar aggregate classification (germline): Uncertain significance (1 of 4 stars; one submission).

Allele frequency attached by ClinVar (database versions not stated): gnomAD 0.00006 and 0.00010; gnomAD exomes 0.00007 and 0.00008; ExAC 0.00008; ESP Exome Variant Server 0.00015.
gnomAD v4.1: 127 of 1,613,980 alleles (0.0079%); highest among the groups gnomAD compares: South Asian, 0.036%; no homozygotes.

Submission:

Labcorp Genetics (formerly Invitae), Labcorp
Classification: Uncertain significance. Last evaluated: 2025-10-12. Review status: criteria provided, single submitter. Criteria: Invitae Variant Classification Sherloc (09022015). Collection method: clinical testing. Allele origin: germline.
Comment: This sequence change replaces arginine, which is basic and polar, with glutamine, which is neutral and polar, at codon 221 of the CSF2RB protein (p.Arg221Gln). The frequency data for this variant in the population databases is considered unreliable, as metrics indicate poor data quality at this position in the gnomAD database. This variant has not been reported in the literature in individuals affected with CSF2RB-related conditions. ClinVar contains an entry for this variant (Variation ID: 1447293). Invitae Evidence Modeling of protein sequence and biophysical properties (such as structural, functional, and spatial information, amino acid conservation, physicochemical variation, residue mobility, and thermodynamic stability) indicates that this missense variant is not expected to disrupt CSF2RB protein function with a negative predictive value of 80%. In summary, the available evidence is currently insufficient to determine the role of this variant in disease. Therefore, it has been classified as a Variant of Uncertain Significance.